The following is an entry in ClinVar:

ClinVar aggregate classification (germline): Conflicting classifications of pathogenicity. Review status: criteria provided, conflicting classifications (1 of 4 stars). 3 submissions from 3 submitters: Uncertain significance (1); Likely benign (1). 1 of the submissions does not count toward it. Last evaluated 2024-09-17.

Conditions:
PEX12-related disorder. Also called: PEX12-related condition; PEX12-related disorders.
Peroxisome biogenesis disorder 3A (Zellweger). Also called: PEROXISOMAL BIOGENESIS DISORDER 3A (ZELLWEGER); Peroxisome biogenesis disorder 3A. Identifiers: Orphanet 912, MedGen C3553929, MONDO:0013927, OMIM 614859.

Allele frequency attached by ClinVar (database versions not stated): gnomAD exomes 0.00006; gnomAD 0.00007; TOPMed 0.00010; ExAC 0.00013; 1000 Genomes Project 30x 0.00062; 1000 Genomes Project 0.00080.

Submissions (3):

Blueprint Genetics
Classification: Likely benign. Last evaluated: 2024-09-17. Review status: criteria provided, single submitter. Criteria: ACMG Guidelines, 2015. Collection method: clinical testing. Allele origin: germline.

Labcorp Genetics (formerly Invitae), Labcorp
Classification: Uncertain significance for Peroxisome biogenesis disorder 3A (Zellweger). Last evaluated: 2022-09-27. Review status: criteria provided, single submitter. Criteria: Invitae Variant Classification Sherloc (09022015). Collection method: clinical testing. Allele origin: germline.
Comment: This sequence change replaces glutamic acid, which is acidic and polar, with glycine, which is neutral and non-polar, at codon 212 of the PEX12 protein (p.Glu212Gly). This variant is present in population databases (rs187265849, gnomAD 0.2%). This variant has not been reported in the literature in individuals affected with PEX12-related conditions. Advanced modeling of protein sequence and biophysical properties (such as structural, functional, and spatial information, amino acid conservation, physicochemical variation, residue mobility, and thermodynamic stability) performed at Invitae indicates that this missense variant is not expected to disrupt PEX12 protein function. In summary, the available evidence is currently insufficient to determine the role of this variant in disease. Therefore, it has been classified as a Variant of Uncertain Significance.

PreventionGenetics, part of Exact Sciences
Classification: Likely benign for PEX12-related condition. Last evaluated: 2022-04-12. Review status: no assertion criteria provided. Collection method: clinical testing. Allele origin: germline. Not counted in ClinVar's aggregate classification.
Comment: This variant is classified as likely benign based on ACMG/AMP sequence variant interpretation guidelines (Richards et al. 2015 PMID: 25741868, with internal and published modifications).

NM_000286.3(PEX12):c.635A>G (p.Glu212Gly)

Gene: PEX12 (peroxisomal biogenesis factor 12; minus strand). Cytogenetic location: 17q12.
Variant type: single nucleotide variant.
Coding change: c.635A>G on transcript NM_000286.3 (MANE Select); coding-DNA position 635, A replaced by G.
Protein change: p.Glu212Gly; replaces glutamic acid 212 with glycine.
Molecular consequence: missense variant.
Genome position (GRCh38, 1-based): chr17:35,577,083, T>C on the plus strand (A>G on the coding strand, the complement: PEX12 is on the minus strand). VCF-style: chr17-35577083-T-C. GRCh37 (hg19) VCF-style: chr17-33904102-T-C.
Other names: c.635A>G (NM_000286.2); short protein forms E212G.
Identifiers: ClinVar variation 2048166 (VCV002048166.4), dbSNP rs187265849, ClinGen allele CA8504878.